The following is an entry in ClinVar:

NM_000037.4(ANK1):c.152T>C (p.Leu51Pro)

Gene: ANK1 (ankyrin 1; minus strand). Cytogenetic location: 8p11.21.
Variant type: single nucleotide variant.
Coding change: c.152T>C on transcript NM_000037.4 (MANE Select); coding-DNA position 152, T replaced by C.
Protein change: p.Leu51Pro; replaces leucine 51 with proline.
Molecular consequence: missense variant.
Genome position (GRCh38, 1-based): chr8:41,734,047, A>G on the plus strand (T>C on the coding strand, the complement: ANK1 is on the minus strand). VCF-style: chr8-41734047-A-G. GRCh37 (hg19) VCF-style: chr8-41591565-A-G.
Other names: c.251T>C, p.Leu84Pro (NM_001142446.2); c.152T>C, p.Leu51Pro (NM_020475.3, NM_020476.3, NM_020477.3); short protein forms L51P, L84P.
Identifiers: ClinVar variation 3641914 (VCV003641914.2).

ClinVar aggregate classification (germline): Uncertain significance (1 of 4 stars; one submission).

Submission:

Labcorp Genetics (formerly Invitae), Labcorp
Classification: Uncertain significance. Last evaluated: 2025-11-11. Review status: criteria provided, single submitter. Criteria: Invitae Variant Classification Sherloc (09022015). Collection method: clinical testing. Allele origin: germline.
Comment: This sequence change replaces leucine, which is neutral and non-polar, with proline, which is neutral and non-polar, at codon 51 of the ANK1 protein (p.Leu51Pro). This variant is not present in population databases (gnomAD no frequency). This variant has not been reported in the literature in individuals affected with ANK1-related conditions. ClinVar contains an entry for this variant (Variation ID: 3641914). Invitae Evidence Modeling of protein sequence and biophysical properties (such as structural, functional, and spatial information, amino acid conservation, physicochemical variation, residue mobility, and thermodynamic stability) indicates that this missense variant is expected to disrupt ANK1 protein function with a positive predictive value of 80%. In summary, the available evidence is currently insufficient to determine the role of this variant in disease. Therefore, it has been classified as a Variant of Uncertain Significance.